The following is an entry in ClinVar:

ClinVar aggregate classification (germline): Uncertain significance. Review status: criteria provided, multiple submitters, no conflicts (2 of 4 stars). 2 submissions from 2 submitters: Uncertain significance (2). Last evaluated 2024-03-22.

Conditions:
Anterior segment dysgenesis 3 (ASGD3). Also called: Glaucoma iridogoniodysplasia, familial; IRIDOGONIODYSGENESIS ANOMALY, AUTOSOMAL DOMINANT. Identifiers: Orphanet 91483, MedGen C5975707, MONDO:0024456, OMIM 601631.
Axenfeld-Rieger syndrome type 3 (RIEG3). Also called: AXENFELD-RIEGER ANOMALY WITH CARDIAC DEFECTS AND/OR SENSORINEURAL HEARING LOSS. Identifiers: Orphanet 782, MedGen C2678503, MONDO:0011233, OMIM 602482.

gnomAD v4.1: 1 of 1,613,166 alleles (0.000062%); highest among the groups gnomAD compares: Non-Finnish European, 0.000085%; no homozygotes.

Submissions (2):

Fulgent Genetics
Classification: Uncertain significance for Anterior segment dysgenesis 3; Axenfeld-Rieger syndrome type 3. Last evaluated: 2024-03-22. Review status: criteria provided, single submitter. Criteria: ACMG Guidelines, 2015. Collection method: clinical testing. Allele origin: germline.

Labcorp Genetics (formerly Invitae), Labcorp
Classification: Uncertain significance for Axenfeld-Rieger syndrome type 3. Last evaluated: 2023-06-29. Review status: criteria provided, single submitter. Criteria: Invitae Variant Classification Sherloc (09022015). Collection method: clinical testing. Allele origin: germline.
Comment: This sequence change replaces proline, which is neutral and non-polar, with leucine, which is neutral and non-polar, at codon 69 of the FOXC1 protein (p.Pro69Leu). This variant is not present in population databases (gnomAD no frequency). This variant has not been reported in the literature in individuals affected with FOXC1-related conditions. In summary, the available evidence is currently insufficient to determine the role of this variant in disease. Therefore, it has been classified as a Variant of Uncertain Significance. An algorithm developed to predict the effect of missense changes on protein structure and function (PolyPhen-2) suggests that this variant is likely to be disruptive. ClinVar contains an entry for this variant (Variation ID: 2026632).

NM_001453.3(FOXC1):c.206C>T (p.Pro69Leu)

Gene: FOXC1 (forkhead box C1; plus strand). Cytogenetic location: 6p25.3.
Variant type: single nucleotide variant.
Coding change: c.206C>T on transcript NM_001453.3 (MANE Select); coding-DNA position 206, C replaced by T.
Protein change: p.Pro69Leu; replaces proline 69 with leucine.
Molecular consequence: missense variant.
Genome position (GRCh38, 1-based): chr6:1,610,651, C>T. VCF-style: chr6-1610651-C-T. GRCh37 (hg19) VCF-style: chr6-1610886-C-T.
Other names: short protein forms P69L.
Identifiers: ClinVar variation 2026632 (VCV002026632.5), dbSNP rs2480501978, ClinGen allele CA362558303.